The following is an entry in ClinVar:

NM_001868.4(CPA1):c.14T>C (p.Leu5Pro)

Gene: CPA1 (carboxypeptidase A1; plus strand). Cytogenetic location: 7q32.2.
Variant type: single nucleotide variant.
Coding change: c.14T>C on transcript NM_001868.4 (MANE Select); coding-DNA position 14, T replaced by C.
Protein change: p.Leu5Pro; replaces leucine 5 with proline.
Molecular consequence: missense variant.
Genome position (GRCh38, 1-based): chr7:130,380,534, T>C. VCF-style: chr7-130380534-T-C. GRCh37 (hg19) VCF-style: chr7-130020375-T-C.
Other names: short protein forms L5P.
Identifiers: ClinVar variation 2496930 (VCV002496930.3), dbSNP rs2536002847, ClinGen allele CA369278868.

ClinVar aggregate classification (germline): Uncertain significance (1 of 4 stars; one submission).

Conditions:
Hereditary pancreatitis (PCTT). Also called: Hereditary chronic pancreatitis; PRSS1-Related Hereditary Pancreatitis. Identifiers: Orphanet 676, MedGen C0238339, MONDO:0008185, OMIM 167800.

Submission:

Ambry Genetics
Classification: Uncertain significance for Hereditary pancreatitis. Last evaluated: 2025-03-27. Review status: criteria provided, single submitter. Criteria: Ambry Variant Classification Scheme 2023. Collection method: clinical testing. Allele origin: germline.
Comment: The p.L5P variant (also known as c.14T>C), located in coding exon 1 of the CPA1 gene, results from a T to C substitution at nucleotide position 14. The leucine at codon 5 is replaced by proline, an amino acid with similar properties. This alteration was detected in 1/1112 Han Chinese individuals with idiopathic chronic pancreatitis and 0/1580 controls (Wu H et al. Hum Mutat, 2017 Aug;38:959-963). This amino acid position is highly conserved in available vertebrate species. In addition, the in silico prediction for this alteration is inconclusive. Since supporting evidence is limited at this time, the clinical significance of this alteration remains unclear.

Literature cited by the submitters: PubMed 28497564.